The following is an entry in ClinVar:

NM_004444.5(EPHB4):c.946dup (p.Arg316fs)

Gene: EPHB4 (EPH receptor B4; minus strand). Cytogenetic location: 7q22.1.
Variant type: Duplication.
Coding change: c.946dup on transcript NM_004444.5 (MANE Select); coding-DNA position 946, one base duplicated (C; older notation c.946dupC).
Protein change: p.Arg316fs; shifts the reading frame from arginine 316.
Molecular consequence: frameshift variant.
Genome position (GRCh38, 1-based): chr7:100,820,159, G duplicated on the plus strand (C on the coding strand, the reverse complement: EPHB4 is on the minus strand); the first of 5 consecutive G bases (chr7:100,820,159-100,820,163); duplicating any one gives the same sequence. VCF-style (leftmost placement, unchanged base first): chr7-100820158-C-CG. GRCh37 (hg19) VCF-style: chr7-100417780-C-CG.
Other names: short protein forms R316fs.
Identifiers: ClinVar variation 1451586 (VCV001451586.6), dbSNP rs2116451858, ClinGen allele CA2573141456.

ClinVar aggregate classification (germline): Pathogenic (1 of 4 stars; one submission).

Submission:

Labcorp Genetics (formerly Invitae), Labcorp
Classification: Pathogenic. Last evaluated: 2025-10-13. Review status: criteria provided, single submitter. Criteria: Invitae Variant Classification Sherloc (09022015). Collection method: clinical testing. Allele origin: germline.
Comment: This sequence change creates a premature translational stop signal (p.Arg316Profs*65) in the EPHB4 gene. It is expected to result in an absent or disrupted protein product. Loss-of-function variants in EPHB4 are known to be pathogenic (PMID: 28687708). This variant is not present in population databases (gnomAD no frequency). This variant has not been reported in the literature in individuals affected with EPHB4-related conditions. ClinVar contains an entry for this variant (Variation ID: 1451586). For these reasons, this variant has been classified as Pathogenic.

Literature cited by the submitters: PubMed 28687708.